The following is an entry in ClinVar:

NM_001083116.3(PRF1):c.1339G>C (p.Glu447Gln)

Gene: PRF1 (perforin 1; minus strand). Cytogenetic location: 10q22.1.
Variant type: single nucleotide variant.
Coding change: c.1339G>C on transcript NM_001083116.3 (MANE Select); coding-DNA position 1339, G replaced by C.
Protein change: p.Glu447Gln; replaces glutamic acid 447 with glutamine.
Molecular consequence: missense variant.
Genome position (GRCh38, 1-based): chr10:70,598,382, C>G on the plus strand (G>C on the coding strand, the complement: PRF1 is on the minus strand). VCF-style: chr10-70598382-C-G. GRCh37 (hg19) VCF-style: chr10-72358138-C-G.
Other names: c.1339G>C, p.Glu447Gln (NM_005041.6); short protein forms E447Q.
Identifiers: ClinVar variation 940578 (VCV000940578.6), dbSNP rs145513232, ClinGen allele CA209366614.
Genomic context (GRCh38, chr10:70,598,382, plus strand): 5'-AATCCAGCCGCACTGACCAGATGGGGTTGTTATTGTCCCACACGGTGCTCGTCCTCAGCT[C>G]CTGGCCACCAAAGAAGAGCTTCACATAGGCATCCGTGGCAGTGAACCAGTCCCCCCACAG-3'
Protein context (NP_001076585.1, residues 437-457): AYVKLFFGGQ[Glu447Gln]LRTSTVWDNN

ClinVar aggregate classification (germline): Uncertain significance (1 of 4 stars; one submission).

Conditions:
Familial hemophagocytic lymphohistiocytosis 2 (FHL2). Also called: PRF1-Related Familial Hemophagocytic Lymphohistiocytosis (PRF1-fHLH). Identifiers: Orphanet 540, MedGen C1863727, MONDO:0011337, OMIM 603553.

Allele frequency attached by ClinVar (database versions not stated): TOPMed below 0.00001; gnomAD 0.00001; gnomAD exomes 0.00001; ESP Exome Variant Server 0.00008.

Submission:

Labcorp Genetics (formerly Invitae), Labcorp
Classification: Uncertain significance for Familial hemophagocytic lymphohistiocytosis 2. Last evaluated: 2021-09-01. Review status: criteria provided, single submitter. Criteria: Invitae Variant Classification Sherloc (09022015). Collection method: clinical testing. Allele origin: germline.
Comment: This sequence change replaces glutamic acid with glutamine at codon 447 of the PRF1 protein (p.Glu447Gln). The glutamic acid residue is moderately conserved and there is a small physicochemical difference between glutamic acid and glutamine. This variant is not present in population databases (ExAC no frequency). This variant has not been reported in the literature in individuals affected with PRF1-related conditions. Algorithms developed to predict the effect of missense changes on protein structure and function output the following: SIFT: "Tolerated"; PolyPhen-2: "Benign"; Align-GVGD: "Class C0". The glutamine amino acid residue is found in multiple mammalian species, which suggests that this missense change does not adversely affect protein function. In summary, the available evidence is currently insufficient to determine the role of this variant in disease. Therefore, it has been classified as a Variant of Uncertain Significance.